The following is an entry in ClinVar:

NM_001349206.2(LPIN1):c.43G>A (p.Val15Met)

Gene: LPIN1 (lipin 1; plus strand). Cytogenetic location: 2p25.1.
Variant type: single nucleotide variant.
Coding change: c.43G>A on transcript NM_001349206.2 (MANE Select); coding-DNA position 43, G replaced by A.
Protein change: p.Val15Met; replaces valine 15 with methionine.
Molecular consequence: missense variant. On other transcripts: non-coding transcript variant (1).
Genome position (GRCh38, 1-based): chr2:11,765,584, G>A. VCF-style: chr2-11765584-G-A. GRCh37 (hg19) VCF-style: chr2-11905710-G-A.
Other names: p.Val15Met; c.61G>A, p.Val21Met (NM_001261427.3); c.190G>A, p.Val64Met (NM_001261428.3, NM_001349208.2); c.43G>A, p.Val15Met (NM_001349199.2, NM_001349200.2, NM_001349201.2 and 5 more transcripts); c.133G>A, p.Val45Met (NM_001349207.2); short protein forms V64M, V15M, V21M, V45M.
Identifiers: ClinVar variation 2086052 (VCV002086052.4), dbSNP rs199755819, ClinGen allele CA1533326.

ClinVar aggregate classification (germline): Uncertain significance. Review status: criteria provided, multiple submitters, no conflicts (2 of 4 stars). 2 submissions from 2 submitters: Uncertain significance (2). Last evaluated 2025-12-31.

Allele frequency attached by ClinVar (database versions not stated): TOPMed 0.00010; gnomAD 0.00011; ExAC 0.00012.
gnomAD v4.1: 250 of 1,614,012 alleles (0.015%); highest among the groups gnomAD compares: Non-Finnish European, 0.019%; no homozygotes.

Submissions (2):

Labcorp Genetics (formerly Invitae), Labcorp
Classification: Uncertain significance. Last evaluated: 2025-12-31. Review status: criteria provided, single submitter. Criteria: Invitae Variant Classification Sherloc (09022015). Collection method: clinical testing. Allele origin: germline.
Comment: This sequence change replaces valine, which is neutral and non-polar, with methionine, which is neutral and non-polar, at codon 15 of the LPIN1 protein (p.Val15Met). This variant is present in population databases (rs199755819, gnomAD 0.02%). This variant has not been reported in the literature in individuals affected with LPIN1-related conditions. ClinVar contains an entry for this variant (Variation ID: 2086052). Invitae Evidence Modeling of protein sequence and biophysical properties (such as structural, functional, and spatial information, amino acid conservation, physicochemical variation, residue mobility, and thermodynamic stability) indicates that this missense variant is not expected to disrupt LPIN1 protein function with a negative predictive value of 80%. In summary, the available evidence is currently insufficient to determine the role of this variant in disease. Therefore, it has been classified as a Variant of Uncertain Significance.

Mayo Clinic Laboratories, Mayo Clinic
Classification: Uncertain significance. Last evaluated: 2023-07-27. Review status: criteria provided, single submitter. Criteria: ACMG Guidelines, 2015. Collection method: clinical testing. Allele origin: germline. Observed: 1 variant allele.
Comment: PP3, PM2_moderate

Literature cited by the submitters: PubMed 32041611 (cited by Mayo Clinic Laboratories, Mayo Clinic).